The following is an entry in ClinVar:

NM_006231.4(POLE):c.1837G>T (p.Val613Phe)

Gene: POLE (DNA polymerase epsilon, catalytic subunit; minus strand). Cytogenetic location: 12q24.33.
Variant type: single nucleotide variant.
Coding change: c.1837G>T on transcript NM_006231.4 (MANE Select); coding-DNA position 1837, G replaced by T.
Protein change: p.Val613Phe; replaces valine 613 with phenylalanine.
Molecular consequence: missense variant.
Genome position (GRCh38, 1-based): chr12:132,668,897, C>A on the plus strand (G>T on the coding strand, the complement: POLE is on the minus strand). VCF-style: chr12-132668897-C-A. GRCh37 (hg19) VCF-style: chr12-133245483-C-A.
Other names: short protein forms V613F.
Identifiers: ClinVar variation 933795 (VCV000933795.7), dbSNP rs200471266, ClinGen allele CA387355552.

ClinVar aggregate classification (germline): Uncertain significance (1 of 4 stars; one submission).

Submission:

Labcorp Genetics (formerly Invitae), Labcorp
Classification: Uncertain significance. Last evaluated: 2021-10-08. Review status: criteria provided, single submitter. Criteria: Invitae Variant Classification Sherloc (09022015). Collection method: clinical testing. Allele origin: germline.
Comment: In summary, the available evidence is currently insufficient to determine the role of this variant in disease. Therefore, it has been classified as a Variant of Uncertain Significance. Algorithms developed to predict the effect of missense changes on protein structure and function are either unavailable or do not agree on the potential impact of this missense change (SIFT: "Deleterious"; PolyPhen-2: "Benign"; Align-GVGD: "Class C0"). This variant has not been reported in the literature in individuals affected with POLE-related conditions. This variant is not present in population databases (ExAC no frequency). This sequence change replaces valine with phenylalanine at codon 613 of the POLE protein (p.Val613Phe). The valine residue is highly conserved and there is a small physicochemical difference between valine and phenylalanine.